The following is an entry in ClinVar:

NM_000369.5(TSHR):c.484C>G (p.Pro162Ala)

Genes: TSHR (thyroid stimulating hormone receptor; plus strand), TSHR-AS1 (TSHR antisense RNA 1; minus strand). Cytogenetic location: 14q31.1.
Variant type: single nucleotide variant.
Coding change: c.484C>G on transcript NM_000369.5 (MANE Select); coding-DNA position 484, C replaced by G.
Protein change: p.Pro162Ala; replaces proline 162 with alanine.
Molecular consequence: missense variant.
Genome position (GRCh38, 1-based): chr14:81,092,547, C>G. VCF-style: chr14-81092547-C-G. GRCh37 (hg19) VCF-style: chr14-81558891-C-G.
Other names: c.484C>G (NM_000369.3); c.484C>G, p.Pro162Ala (NM_001018036.3, NM_001142626.3); short protein forms P162A.
Identifiers: ClinVar variation 6435 (VCV000006435.56), dbSNP rs121908863, ClinGen allele CA118206.
Genomic context (GRCh38, chr14:81,092,547, plus strand): 5'-GAAAGCATTTTTTCATTAAGTGTTTTTGTCCCTCTCTCTTGCAGTGAAATTACAGACAAC[C>G]CTTACATGACGTCAATCCCTGTGAATGCTTTTCAGGGACTATGCAATGAAACCTTGACAC-3'
Protein context (NP_000360.2, residues 152-172): IFFILEITDN[Pro162Ala]YMTSIPVNAF

ClinVar aggregate classification (germline): Pathogenic/Likely pathogenic. Review status: criteria provided, multiple submitters, no conflicts (2 of 4 stars). 13 submissions from 13 submitters: Pathogenic (8); Likely pathogenic (4). 1 of the submissions does not count toward it. Last evaluated 2026-02-01.

Conditions:
TSHR-related disorder. Also called: TSHR-related disorders; TSHR-related condition.
Hypothyroidism due to TSH receptor mutations. Also called: HYPOTHYROIDISM DUE TO UNRESPONSIVENESS TO THYROTROPIN; HYPOTHYROIDISM, CONGENITAL, DUE TO TSH RESISTANCE; HYPOTHYROIDISM, NONAUTOIMMUNE; THYROID-STIMULATING HORMONE, RESISTANCE TO; TSH RESISTANCE; Hypothyroidism, congenital, nongoitrous, 1. Identifiers: Orphanet 90673, MedGen C3493776, MONDO:0010142, OMIM 275200.
Familial hyperthyroidism due to mutations in TSH receptor. Also called: TOXIC THYROID HYPERPLASIA, AUTOSOMAL DOMINANT; HYPERTHYROIDISM, CONGENITAL NONAUTOIMMUNE; HYPERTHYROIDISM, NONAUTOIMMUNE, AUTOSOMAL DOMINANT. Identifiers: Orphanet 424, MedGen C1836706, MONDO:0012203, OMIM 609152.
Familial gestational hyperthyroidism. Identifiers: Orphanet 99819, MedGen C1863959, MONDO:0011309, OMIM 603373.

Allele frequency attached by ClinVar (database versions not stated): gnomAD 0.00010; ExAC 0.00017; TOPMed 0.00017; 1000 Genomes Project 30x 0.00031; 1000 Genomes Project 0.00040.
gnomAD v4.1: 345 of 1,613,988 alleles (0.021%); highest among the groups gnomAD compares: Middle Eastern, 0.12%; no homozygotes.

Submissions (13):

CeGaT Center for Human Genetics Tuebingen
Classification: Pathogenic. Last evaluated: 2026-02-01. Review status: criteria provided, single submitter. Criteria: CeGaT Center For Human Genetics Tuebingen Variant Classification Criteria Version 2. Collection method: clinical testing. Allele origin: germline. Affected: yes. Observed: 4 variant alleles.
Comment: TSHR: PM3:Very Strong, PM2, PM5:Supporting, PS3:Supporting

GeneDx
Classification: Pathogenic. Last evaluated: 2026-01-16. Review status: criteria provided, single submitter. Criteria: GeneDx Variant Classification Process June 2021. Collection method: clinical testing. Allele origin: germline. Affected: yes.
Comment: Reported heterozygous in individuals with subclinical hypothyroidism with variable expressivity (PMID: 17697008, 16060907); Published functional studies demonstrate a damaging effect on normal TSHR function (PMID: 10560953, 7528344); In silico analysis suggests that this missense variant does not alter protein structure/function; This variant is associated with the following publications: (PMID: 7528344, 20718767, 34426522, 31589614, 22995991, 26990548, 23329763, 16060907, 12050212, 28444304, 17456567, 31287502, 30240412, 25557138, 34200080, 23154162, 34308104, 34919466, 15531543, 26229975, 28404951, 28719003, 26934580, 26659599, 31855179, 28007035, 26986070, 29691392, 27915290, 26147798, 21490078, 17697008, 26740555, 30665703, 11549705, 8954020, 36493725, 37541188, 34493867, 10560953, 38496821, 39039281)

Constantin Polychronakos Laboratory, The Research Institute of the McGill University Health Centre
Classification: Pathogenic for Hypothyroidism due to TSH receptor mutations. Last evaluated: 2025-04-15. Review status: criteria provided, single submitter. Criteria: ACMG Guidelines, 2015. Collection method: clinical testing. Allele origin: germline. Affected: yes.
Comment: The NM_000369.5(TSHR):c.484C>G (p.Pro162Ala) variant found in homozygous state in two unrelated families from our cohort. Variant has been reported in ClinVar as Likely pathogenic (★★) and several publications also have reported the variant in CH cases (PubMed:10560953, PubMed:16060907, PubMed:12050212, PubMed:30240412) (PP5). The variant is located in a mutational hot spot without benign variation (PM1). The variant allele was found at extremely low frequency in population databases, with no homozygous occurrence (PM2). Another missense change at an amino acid residue where a different missense change determined to be pathogenic has been seen before (PM5). Patient’s phenotype or family history is highly specific for congenital hypothyroidism due to TSHR mutations (PP4). This is a missense variant in a gene in which missense variants are a common mechanism of disease (PP2). The variant c.484C>G is Pathogenic according to the ACMG guideline criteria.

First Genomix Gene Laboratory, Genetic Diagnostics Department
Classification: Pathogenic for Hypothyroidism due to TSH receptor mutations. Last evaluated: 2025-01-17. Review status: criteria provided, single submitter. Criteria: ACMG Guidelines, 2015. Collection method: clinical testing. Allele origin: germline. Inheritance: Autosomal recessive inheritance. Affected: no. Observed: 1 variant allele.

Revvity Omics, Revvity
Classification: Pathogenic. Last evaluated: 2025-01-16. Review status: criteria provided, single submitter. Criteria: ACMG Guidelines, 2015. Collection method: clinical testing. Allele origin: germline.

PreventionGenetics, part of Exact Sciences
Classification: Likely pathogenic for TSHR-related condition. Last evaluated: 2024-12-18. Review status: criteria provided, single submitter. Criteria: ACMG Guidelines, 2015. Collection method: clinical testing. Allele origin: germline.
Comment: The TSHR c.484C>G variant is predicted to result in the amino acid substitution p.Pro162Ala. This variant has been reported in the compound heterozygous or homozygous state in at least eight patients from four different families with mild to severe hypothyroidism (Sunthornthepvarakul et al 1995. PubMed ID: 7528344; Baş et al 2012. PubMed ID: 23329763; Tenenbaum-Rakover et al 2015. PubMed ID: 25557138; Alberti et al. 2002. PubMed ID: 12050212), as well as in the heterozygous state without a second variant in one patient with severe congenital hypothyroidism (Makretskaya et al 2018. PubMed ID: 30240412). Functional studies indicate this variant has reduced sensitivity to TSH and receptor activity in vitro (Sunthornthepvarakul et al 1995. PubMed ID: 7528344; Costagliola et al 1999. PubMed ID: 10560953). This variant is reported in 0.025% of alleles in individuals of European (Non-Finnish) descent in gnomAD. Taken together, we classify this variant as likely pathogenic.

Blueprint Genetics
Classification: Pathogenic for TSHR-related disorders. Last evaluated: 2024-10-24. Review status: criteria provided, single submitter. Criteria: ACMG Guidelines, 2015. Collection method: clinical testing. Allele origin: germline. Affected: yes. Observed: 5 variant alleles.

Fulgent Genetics
Classification: Likely pathogenic for Hypothyroidism due to TSH receptor mutations; Familial gestational hyperthyroidism; Familial hyperthyroidism due to mutations in TSH receptor. Last evaluated: 2024-06-06. Review status: criteria provided, single submitter. Criteria: ACMG Guidelines, 2015. Collection method: clinical testing. Allele origin: germline.

Labcorp Genetics (formerly Invitae), Labcorp
Classification: Pathogenic. Last evaluated: 2024-04-24. Review status: criteria provided, single submitter. Criteria: Invitae Variant Classification Sherloc (09022015). Collection method: clinical testing. Allele origin: germline.
Comment: This sequence change replaces proline, which is neutral and non-polar, with alanine, which is neutral and non-polar, at codon 162 of the TSHR protein (p.Pro162Ala). This variant is present in population databases (rs121908863, gnomAD 0.02%). This missense change has been observed in individual(s) with autosomal recessive TSHR-related conditions (PMID: 7528344, 8954020, 16060907, 28444304). It has also been observed to segregate with disease in related individuals. ClinVar contains an entry for this variant (Variation ID: 6435). An algorithm developed to predict the effect of missense changes on protein structure and function (PolyPhen-2) suggests that this variant is likely to be tolerated. Experimental studies have shown that this missense change affects TSHR function (PMID: 7528344, 10560953). For these reasons, this variant has been classified as Pathogenic.

Women's Health and Genetics/Laboratory Corporation of America, LabCorp
Classification: Likely pathogenic for Hypothyroidism due to TSH receptor mutations. Last evaluated: 2023-04-20. Review status: criteria provided, single submitter. Criteria: LabCorp Variant Classification Summary - May 2015. Collection method: clinical testing. Allele origin: germline.
Comment: Variant summary: TSHR c.484C>G (p.Pro162Ala) results in a non-conservative amino acid change in the encoded protein sequence. Three of five in-silico tools predict a benign effect of the variant on protein function. The variant allele was found at a frequency of 0.00014 in 251382 control chromosomes (gnomAD). c.484C>G has been reported in the literature in at least two homozygous individuals affected with Hypothyroidism Due To TSH Receptor Mutations (e.g. Tonacchera_1996, Camilot_2005), and in multiple other homozygous, compound heterozygous, and heterozygous individuals with resistance to TSH and subclinical hypothyroidism, presenting as abnormally high TSH levels but with normal thyroid hormone levels (e.g. Sunthornthepvarakul_1995, Tonacchera_1996, De Roux_1996, Camilot_2005, Bas_2012, Tenenbaum-Rakover_2015, de Filippis_2017, Makretskaya_2018). Publications reporting experimental evidence evaluating an impact on protein function found that the variant is associated with an approximately 2-fold reduction in cell surface expression and results in a protein capable of reaching a maximal activity level similar to WT in vitro, but with a reduced sensitivity to TSH (e.g. Sunthornthepvarakul_1995, Costagliola_1999, Sriphrapradang_2011). These data indicate that the variant is likely a hypomorphic allele which manifests as elevated TSH in most cases, but has reduced penetrance and/or a milder phenotype with regards to whether individuals present clinically with hypothyroidism or have subclinical hypothyroidism. Three clinical diagnostic laboratories have submitted clinical-significance assessments for this variant to ClinVar after 2014 and all classified the variant as pathogenic (n=2)/likely pathogenic (n=1). Based on the evidence outlined above, the variant was classified as likely pathogenic.

Baylor Genetics
Classification: Likely pathogenic for Familial gestational hyperthyroidism. Last evaluated: 2022-08-09. Review status: criteria provided, single submitter. Criteria: ACMG Guidelines, 2015. Collection method: clinical testing. Allele origin: unknown.

Juno Genomics, Hangzhou Juno Genomics, Inc
Classification: Pathogenic for Hypothyroidism due to TSH receptor mutations. Review status: criteria provided, single submitter. Criteria: ACMG Guidelines, 2015. Collection method: clinical testing. Allele origin: germline. Affected: yes.
Comment: Absent from controls (or at extremely low frequency if recessive) in Genome Aggregation Database, Exome Sequencing Project, 1000 Genomes Project, or Exome Aggregation Consortium.;Well-established in vitro or in vivo functional studies supportive of a damaging effect on the gene or gene product.;For recessive disorders, detected in trans with a pathogenic variant.;Patient's phenotype or family history is highly specific for a disease with a single genetic etiology.

OMIM
Classification: Pathogenic for HYPOTHYROIDISM, CONGENITAL, NONGOITROUS, 1. Last evaluated: 2002-06-01. Review status: no assertion criteria provided. Collection method: literature only. Allele origin: germline. Not counted in ClinVar's aggregate classification.

Literature cited by the submitters: DOI 10.3389/fendo.2025.1559281 (cited by Constantin Polychronakos Laboratory, The Research Institute of the McGill University Health Centre); PubMed 10560953 (cited by 3 submitters); PubMed 16060907 (cited by 3 submitters); PubMed 12050212 (cited by Constantin Polychronakos Laboratory, The Research Institute of the McGill University Health Centre and OMIM); PubMed 30240412 (cited by Constantin Polychronakos Laboratory, The Research Institute of the McGill University Health Centre and Women's Health and Genetics/Laboratory Corporation of America, LabCorp); PubMed 7528344 (cited by 3 submitters); PubMed 8954020 (cited by Labcorp Genetics (formerly Invitae), Labcorp and Women's Health and Genetics/Laboratory Corporation of America, LabCorp); PubMed 28444304 (cited by Labcorp Genetics (formerly Invitae), Labcorp and Women's Health and Genetics/Laboratory Corporation of America, LabCorp); PubMed 23329763 (cited by Women's Health and Genetics/Laboratory Corporation of America, LabCorp); PubMed 21490078 (cited by Women's Health and Genetics/Laboratory Corporation of America, LabCorp); PubMed 25557138 (cited by Women's Health and Genetics/Laboratory Corporation of America, LabCorp); PubMed 8681963 (cited by Women's Health and Genetics/Laboratory Corporation of America, LabCorp).